The following is an entry in ClinVar:

ClinVar aggregate classification (germline): Uncertain significance (1 of 4 stars; one submission).

Submission:

Women's Health and Genetics/Laboratory Corporation of America, LabCorp
Classification: Uncertain significance. Last evaluated: 2024-10-09. Review status: criteria provided, single submitter. Criteria: LabCorp Variant Classification Summary - May 2015. Collection method: clinical testing. Allele origin: germline.
Comment: Variant summary: CTCF c.1651G>C (p.Val551Leu) results in a conservative amino acid change in the encoded protein sequence. Three of five in-silico tools predict a benign effect of the variant on protein function. The variant was absent in 251492 control chromosomes. The available data on variant occurrences in the general population are insufficient to allow any conclusion about variant significance. To our knowledge, no occurrence of c.1651G>C in individuals affected with Mental retardation, autosomal dominant 21 and no experimental evidence demonstrating its impact on protein function have been reported. No submitters have cited clinical-significance assessments for this variant to ClinVar. Based on the evidence outlined above, the variant was classified as uncertain significance.

NM_006565.4(CTCF):c.1651G>C (p.Val551Leu)

Gene: CTCF (CCCTC-binding factor; plus strand). Cytogenetic location: 16q22.1.
Variant type: single nucleotide variant.
Coding change: c.1651G>C on transcript NM_006565.4 (MANE Select); coding-DNA position 1651, G replaced by C.
Protein change: p.Val551Leu; replaces valine 551 with leucine.
Molecular consequence: missense variant.
Genome position (GRCh38, 1-based): chr16:67,628,502, G>C. VCF-style: chr16-67628502-G-C. GRCh37 (hg19) VCF-style: chr16-67662405-G-C.
Other names: c.667G>C, p.Val223Leu (NM_001191022.2); c.1651G>C, p.Val551Leu (NM_001363916.2); short protein forms V223L, V551L.
Identifiers: ClinVar variation 3384796 (VCV003384796.1).